The following is an entry in ClinVar:

NM_198506.5(LRIT3):c.1317G>A (p.Lys439=)

Gene: LRIT3 (leucine rich repeat, Ig-like and transmembrane domains 3; plus strand). Cytogenetic location: 4q25.
Variant type: single nucleotide variant.
Coding change: c.1317G>A on transcript NM_198506.5 (MANE Select); coding-DNA position 1317, G replaced by A.
Protein change: p.Lys439=; no amino-acid change (lysine 439 retained).
Molecular consequence: synonymous variant.
Genome position (GRCh38, 1-based): chr4:109,870,066, G>A. VCF-style: chr4-109870066-G-A. GRCh37 (hg19) VCF-style: chr4-110791222-G-A.
Identifiers: ClinVar variation 347192 (VCV000347192.14), dbSNP rs189069580, ClinGen allele CA3043170.

ClinVar aggregate classification (germline): Benign/Likely benign. Review status: criteria provided, multiple submitters, no conflicts (2 of 4 stars). 4 submissions from 4 submitters: Benign (3); Likely benign (1). Last evaluated 2025-11-05.

Conditions:
Congenital stationary night blindness 1F. Also called: Night blindness, congenital stationary (complete), 1F, autosomal recessive. Identifiers: Orphanet 215, MedGen C3554399, MONDO:0014026, OMIM 615058.

Allele frequency attached by ClinVar (database versions not stated): gnomAD exomes 0.00033 and 0.00138; gnomAD 0.00044 and 0.00058; TOPMed 0.00081; ExAC 0.00125; 1000 Genomes Project 30x 0.00344; 1000 Genomes Project 0.00359.
gnomAD v4.1: 603 of 1,614,132 alleles (0.037%); highest among the groups gnomAD compares: East Asian, 1.2%; 4 homozygotes.

Submissions (4):

Labcorp Genetics (formerly Invitae), Labcorp
Classification: Benign. Last evaluated: 2025-11-05. Review status: criteria provided, single submitter. Criteria: Invitae Variant Classification Sherloc (09022015). Collection method: clinical testing. Allele origin: germline.

Blueprint Genetics
Classification: Likely benign. Last evaluated: 2024-11-19. Review status: criteria provided, single submitter. Criteria: ACMG Guidelines, 2015. Collection method: clinical testing. Allele origin: germline.

Illumina Laboratory Services, Illumina
Classification: Benign for Congenital stationary night blindness 1F. Last evaluated: 2018-01-13. Review status: criteria provided, single submitter. Criteria: ICSL Variant Classification Criteria 13 December 2019. Collection method: clinical testing. Allele origin: germline.
Comment: This variant was observed in the ICSL laboratory as part of a predisposition screen in an ostensibly healthy population. It had not been previously curated by ICSL or reported in the Human Gene Mutation Database (HGMD: prior to June 1st, 2018), and was therefore a candidate for classification through an automated scoring system. Utilizing variant allele frequency, disease prevalence and penetrance estimates, and inheritance mode, an automated score was calculated to assess if this variant is too frequent to cause the disease. Based on the score and internal cut-off values, a variant classified as benign is not then subjected to further curation. The score for this variant resulted in a classification of benign for this disease.

Breakthrough Genomics
Classification: Benign. Review status: criteria provided, single submitter. Criteria: ACMG Guidelines, 2015. Collection method: not provided. Allele origin: germline. Inheritance: Autosomal recessive inheritance. Affected: yes.